The following is an entry in ClinVar:

ClinVar aggregate classification (germline): Uncertain significance (1 of 4 stars; one submission).

Conditions:
Cardiovascular phenotype. Identifiers: MedGen CN230736.

Submission:

Ambry Genetics
Classification: Uncertain significance for Cardiovascular phenotype. Last evaluated: 2025-06-30. Review status: criteria provided, single submitter. Criteria: Ambry Variant Classification Scheme 2023. Collection method: clinical testing. Allele origin: germline.
Comment: The p.G244V variant (also known as c.731G>T), located in coding exon 5 of the PCSK9 gene, results from a G to T substitution at nucleotide position 731. The glycine at codon 244 is replaced by valine, an amino acid with dissimilar properties. This amino acid position is conserved. In addition, the in silico prediction for this alteration is inconclusive. Based on the available evidence, the clinical significance of this variant remains unclear.

NM_174936.4(PCSK9):c.731G>T (p.Gly244Val)

Gene: PCSK9 (proprotein convertase subtilisin/kexin type 9; plus strand). Cytogenetic location: 1p32.3.
Variant type: single nucleotide variant.
Coding change: c.731G>T on transcript NM_174936.4 (MANE Select); coding-DNA position 731, G replaced by T.
Protein change: p.Gly244Val; replaces glycine 244 with valine.
Molecular consequence: missense variant. On other transcripts: non-coding transcript variant (8).
Genome position (GRCh38, 1-based): chr1:55,052,723, G>T. VCF-style: chr1-55052723-G-T. GRCh37 (hg19) VCF-style: chr1-55518396-G-T.
Other names: c.854G>T, p.Gly285Val (NM_001407240.1); c.731G>T, p.Gly244Val (NM_001407241.1, NM_001407244.1, NM_001407247.1); c.734G>T, p.Gly245Val (NM_001407242.1); c.674G>T, p.Gly225Val (NM_001407243.1); c.539G>T, p.Gly180Val (NM_001407245.1); c.356G>T, p.Gly119Val (NM_001407246.1); short protein forms G225V, G245V, G119V, G244V, G180V, G285V.
Identifiers: ClinVar variation 4133484 (VCV004133484.1).